The following is an entry in ClinVar:

NM_001267550.2(TTN):c.99610G>T (p.Glu33204Ter)

Genes: TTN (titin; minus strand), TTN-AS1 (TTN antisense RNA 1; plus strand). Cytogenetic location: 2q31.2.
Variant type: single nucleotide variant.
Coding change: c.99610G>T on transcript NM_001267550.2 (MANE Select); coding-DNA position 99610, G replaced by T.
Protein change: p.Glu33204Ter; replaces glutamic acid 33204 with a stop codon.
Molecular consequence: nonsense. On other transcripts: non-coding transcript variant (1).
Genome position (GRCh38, 1-based): chr2:178,537,597, C>A on the plus strand (G>T on the coding strand, the complement: TTN is on the minus strand). VCF-style: chr2-178537597-C-A. GRCh37 (hg19) VCF-style: chr2-179402324-C-A.
Other names: c.94687G>T, p.Glu31563Ter (NM_001256850.1); c.72415G>T, p.Glu24139Ter (NM_003319.4); c.91906G>T, p.Glu30636Ter (NM_133378.4); c.72790G>T, p.Glu24264Ter (NM_133432.3); c.72991G>T, p.Glu24331Ter (NM_133437.4); short protein forms E30636*, E31563*, E33204*, E24139*, E24264*, E24331*.
Identifiers: ClinVar variation 1068431 (VCV001068431.9), dbSNP rs1490008675, ClinGen allele CA349427847.

ClinVar aggregate classification (germline): Likely pathogenic (1 of 4 stars; one submission).

Conditions:
Dilated cardiomyopathy 1G (CMD1G). Identifiers: Orphanet 154, MedGen C1858763, MONDO:0011400, OMIM 604145.
Autosomal recessive limb-girdle muscular dystrophy type 2J (LGMDR10). Also called: Limb-girdle muscular dystrophy, type 2J; MUSCULAR DYSTROPHY, LIMB-GIRDLE, AUTOSOMAL RECESSIVE 10. Identifiers: Orphanet 140922, MedGen C1837342, MONDO:0012127, OMIM 608807.

Submission:

Labcorp Genetics (formerly Invitae), Labcorp
Classification: Likely pathogenic for Dilated cardiomyopathy 1G; Autosomal recessive limb-girdle muscular dystrophy type 2J. Last evaluated: 2020-08-29. Review status: criteria provided, single submitter. Criteria: Invitae Variant Classification Sherloc (09022015). Collection method: clinical testing. Allele origin: germline.
Comment: In summary, the currently available evidence indicates that the variant is pathogenic, but additional data are needed to prove that conclusively. Therefore, this variant has been classified as Likely Pathogenic. This variant is located in the A band of TTN (PMID: 25589632). Truncating variants in this region are significantly overrepresented in patients affected with dilated cardiomyopathy (PMID: 25589632). Truncating variants in this region have also been reported in individuals affected with autosomal recessive centronuclear myopathy (PMID: 23975875). This variant has not been reported in the literature in individuals with TTN-related conditions. This variant is not present in population databases (ExAC no frequency). This sequence change results in a premature translational stop signal in the TTN gene (p.Glu33204*). While this is not anticipated to result in nonsense mediated decay, it is expected to create a truncated TTN protein.

Literature cited by the submitters: PubMed 25589632; PubMed 23975875.